The following is an entry in ClinVar:

NM_147127.5(EVC2):c.534dup (p.Glu179Ter)

Gene: EVC2 (EvC ciliary complex subunit 2; minus strand). Cytogenetic location: 4p16.2.
Variant type: Duplication.
Coding change: c.534dup on transcript NM_147127.5 (MANE Select); coding-DNA position 534, one base duplicated (T; older notation c.534dupT).
Protein change: p.Glu179Ter; replaces glutamic acid 179 with a stop codon.
Molecular consequence: nonsense.
Genome position (GRCh38, 1-based): chr4:5,689,329, A duplicated on the plus strand (T on the coding strand, the reverse complement: EVC2 is on the minus strand). VCF-style (leftmost placement, unchanged base first): chr4-5689328-C-CA. GRCh37 (hg19) VCF-style: chr4-5691055-C-CA.
Other names: c.294dup, p.Glu99Ter (NM_001166136.2); c.534dupT (NM_147127.5, NM_147127.4); short protein forms E179*, E99*.
Identifiers: ClinVar variation 558195 (VCV000558195.12), dbSNP rs1553851462, ClinGen allele CA658821177.

ClinVar aggregate classification (germline): Pathogenic. Review status: criteria provided, multiple submitters, no conflicts (2 of 4 stars). 5 submissions from 5 submitters: Pathogenic (4). 1 of the submissions does not count toward it. Last evaluated 2025-11-28.

Conditions:
Curry-Hall syndrome (WAD). Also called: WEYERS ACRODENTAL DYSOSTOSIS. Identifiers: Orphanet 952, MedGen C0457013, MONDO:0008673, OMIM 193530.
Ellis-van Creveld syndrome (EVC). Also called: EVC2-Related Ellis-van Creveld Syndrome; EVC-Related Ellis-van Creveld Syndrome; MESOECTODERMAL DYSPLASIA; Chondroectodermal dysplasia. Identifiers: Orphanet 289, MedGen C0013903, MONDO:0009162, OMIM 225500.
Inborn genetic diseases. Identifiers: MedGen C0950123, MeSH D030342.

Submissions (5):

Variantyx, Inc.
Classification: Pathogenic for Ellis-van Creveld syndrome. Last evaluated: 2025-11-28. Review status: criteria provided, single submitter. Criteria: Variantyx Assertion Criteria 2022. Collection method: clinical testing. Allele origin: germline. Inheritance: Autosomal recessive inheritance. Affected: yes.
Comment: This is a frameshift variant in the EVC2 gene (OMIM: 607261). Pathogenic variants in this gene have been associated with autosomal recessive Ellis-van Creveld syndrome. The clinical symptoms reported for this individual are highly specific for autosomal recessive Ellis-van Creveld syndrome, which has a limited genetic etiology (PMID: 37903214) (PP4). This variant introduces a premature termination codon in exon 5 out of 22 and is expected to result in loss of function, which is a known disease mechanism for EVC2 in this disorder (PMID: 17024374, 19810119, 19876929) (PVS1). This variant is absent from control populations (PM2). Based on the current evidence, this variant is classified as pathogenic for autosomal recessive Ellis-van Creveld syndrome.

Labcorp Genetics (formerly Invitae), Labcorp
Classification: Pathogenic for Curry-Hall syndrome; Ellis-van Creveld syndrome. Last evaluated: 2025-10-29. Review status: criteria provided, single submitter. Criteria: Invitae Variant Classification Sherloc (09022015). Collection method: clinical testing. Allele origin: germline.
Comment: This sequence change creates a premature translational stop signal (p.Glu179*) in the EVC2 gene. It is expected to result in an absent or disrupted protein product. Loss-of-function variants in EVC2 are known to be pathogenic (PMID: 17024374, 19810119, 19876929). This variant is not present in population databases (gnomAD no frequency). This variant has not been reported in the literature in individuals affected with EVC2-related conditions. ClinVar contains an entry for this variant (Variation ID: 558195). For these reasons, this variant has been classified as Pathogenic.

Women's Health and Genetics/Laboratory Corporation of America, LabCorp
Classification: Pathogenic for Ellis-van Creveld syndrome. Last evaluated: 2024-08-01. Review status: criteria provided, single submitter. Criteria: LabCorp Variant Classification Summary - May 2015. Collection method: clinical testing. Allele origin: germline.
Comment: Variant summary: EVC2 c.534dupT (p.Glu179X) results in a premature termination codon, predicted to cause a truncation of the encoded protein or absence of the protein due to nonsense mediated decay, which are commonly known mechanisms for disease. The variant was absent in 251446 control chromosomes. To our knowledge, no occurrence of c.534dupT in individuals affected with EVC2-related conditions has been reported. ClinVar contains an entry for this variant (Variation ID: 558195). Based on the evidence outlined above, the variant was classified as pathogenic for autosomal recessive Ellis-van Creveld syndrome.

Ambry Genetics
Classification: Pathogenic for Inborn genetic diseases. Last evaluated: 2021-10-08. Review status: criteria provided, single submitter. Criteria: Ambry Variant Classification Scheme 2023. Collection method: clinical testing. Allele origin: germline.
Comment: The c.534dupT (p.E179*) alteration, located in exon 5 (coding exon 5) of the EVC2 gene, consists of a duplication of T at position 534, causing a translational frameshift with a predicted alternate stop codon after amino acids. This alteration is expected to result in loss of function by premature protein truncation or nonsense-mediated mRNA decay. Based on the supporting evidence, this variant is expected to be causative of autosomal recessive Ellis-van Creveld syndrome (AR); however, its clinical significance for autosomal dominant Weyers acrofacial dysostosis (AD) is unclear. This variant was not reported in population-based cohorts in the Genome Aggregation Database (gnomAD). Based on the available evidence, this alteration is classified as pathogenic.

Counsyl
Classification: Likely pathogenic for Ellis-van Creveld syndrome. Last evaluated: 2018-05-04. Review status: no assertion criteria provided. Collection method: clinical testing. Allele origin: unknown. Not counted in ClinVar's aggregate classification.

Literature cited by the submitters: PubMed 17024374 (cited by Variantyx, Inc. and Labcorp Genetics (formerly Invitae), Labcorp); PubMed 19810119 (cited by Variantyx, Inc. and Labcorp Genetics (formerly Invitae), Labcorp); PubMed 19876929 (cited by Variantyx, Inc. and Labcorp Genetics (formerly Invitae), Labcorp).